The following is an entry in ClinVar:

NM_177924.5(ASAH1):c.461A>G (p.His154Arg)

Gene: ASAH1 (N-acylsphingosine amidohydrolase 1; minus strand). Cytogenetic location: 8p22.
Variant type: single nucleotide variant.
Coding change: c.461A>G on transcript NM_177924.5 (MANE Select); coding-DNA position 461, A replaced by G.
Protein change: p.His154Arg; replaces histidine 154 with arginine.
Molecular consequence: missense variant.
Genome position (GRCh38, 1-based): chr8:18,063,227, T>C on the plus strand (A>G on the coding strand, the complement: ASAH1 is on the minus strand). VCF-style: chr8-18063227-T-C. GRCh37 (hg19) VCF-style: chr8-17920736-T-C.
Other names: c.443A>G, p.His148Arg (NM_001127505.3); c.266A>G, p.His89Arg (NM_001363743.2); c.509A>G, p.His170Arg (NM_004315.6); short protein forms H170R, H89R, H148R, H154R.
Identifiers: ClinVar variation 1366258 (VCV001366258.5), dbSNP rs2117032573, ClinGen allele CA370431211.

ClinVar aggregate classification (germline): Uncertain significance (1 of 4 stars; one submission).

Allele frequency attached by ClinVar (database versions not stated): gnomAD exomes below 0.00001.
gnomAD v4.1: 1 of 1,613,500 alleles (0.000062%); highest among the groups gnomAD compares: Non-Finnish European, 0.000085%; no homozygotes.

Submission:

Labcorp Genetics (formerly Invitae), Labcorp
Classification: Uncertain significance. Last evaluated: 2021-11-18. Review status: criteria provided, single submitter. Criteria: Invitae Variant Classification Sherloc (09022015). Collection method: clinical testing. Allele origin: germline.
Comment: This variant is not present in population databases (gnomAD no frequency). This variant has not been reported in the literature in individuals affected with ASAH1-related conditions. Algorithms developed to predict the effect of missense changes on protein structure and function (SIFT, PolyPhen-2, Align-GVGD) all suggest that this variant is likely to be tolerated. In summary, the available evidence is currently insufficient to determine the role of this variant in disease. Therefore, it has been classified as a Variant of Uncertain Significance. This sequence change replaces histidine, which is basic and polar, with arginine, which is basic and polar, at codon 154 of the ASAH1 protein (p.His154Arg).